The following is an entry in ClinVar:

ClinVar aggregate classification (germline): Uncertain significance (1 of 4 stars; one submission).

gnomAD v4.1: 2 of 1,612,288 alleles (0.00012%); highest among the groups gnomAD compares: Admixed American, 0.0017%; no homozygotes.

Submission:

Labcorp Genetics (formerly Invitae), Labcorp
Classification: Uncertain significance. Last evaluated: 2025-03-09. Review status: criteria provided, single submitter. Criteria: Invitae Variant Classification Sherloc (09022015). Collection method: clinical testing. Allele origin: germline.
Comment: This sequence change replaces phenylalanine, which is neutral and non-polar, with leucine, which is neutral and non-polar, at codon 249 of the ITM2B protein (p.Phe249Leu). This variant is present in population databases (rs765077508, gnomAD 0.003%). This variant has not been reported in the literature in individuals affected with ITM2B-related conditions. ClinVar contains an entry for this variant (Variation ID: 2077804). Invitae Evidence Modeling of protein sequence and biophysical properties (such as structural, functional, and spatial information, amino acid conservation, physicochemical variation, residue mobility, and thermodynamic stability) indicates that this missense variant is not expected to disrupt ITM2B protein function with a negative predictive value of 80%. In summary, the available evidence is currently insufficient to determine the role of this variant in disease. Therefore, it has been classified as a Variant of Uncertain Significance.

NM_021999.5(ITM2B):c.747C>G (p.Phe249Leu)

Gene: ITM2B (integral membrane protein 2B; plus strand). Cytogenetic location: 13q14.2.
Variant type: single nucleotide variant.
Coding change: c.747C>G on transcript NM_021999.5 (MANE Select); coding-DNA position 747, C replaced by G.
Protein change: p.Phe249Leu; replaces phenylalanine 249 with leucine.
Molecular consequence: missense variant.
Genome position (GRCh38, 1-based): chr13:48,261,170, C>G. VCF-style: chr13-48261170-C-G. GRCh37 (hg19) VCF-style: chr13-48835306-C-G.
Other names: short protein forms F249L.
Identifiers: ClinVar variation 2077804 (VCV002077804.4), dbSNP rs765077508, ClinGen allele CA249837556.